The following is an entry in ClinVar:

ClinVar aggregate classification (germline): Uncertain significance (1 of 4 stars; one submission).

Submission:

Ambry Genetics
Classification: Uncertain significance. Last evaluated: 2024-03-14. Review status: criteria provided, single submitter. Criteria: Ambry Variant Classification Scheme 2023. Collection method: clinical testing. Allele origin: germline.
Comment: The p.L1023V variant (also known as c.3067C>G), located in coding exon 4 of the ALPK2 gene, results from a C to G substitution at nucleotide position 3067. The leucine at codon 1023 is replaced by valine, an amino acid with highly similar properties. This amino acid position is conserved. In addition, this alteration is predicted to be tolerated by in silico analysis. Based on the available evidence, the clinical significance of this alteration remains unclear.

NM_052947.4(ALPK2):c.3067C>G (p.Leu1023Val)

Gene: ALPK2 (alpha kinase 2; minus strand). Cytogenetic location: 18q21.31.
Variant type: single nucleotide variant.
Coding change: c.3067C>G on transcript NM_052947.4 (MANE Select); coding-DNA position 3067, C replaced by G.
Protein change: p.Leu1023Val; replaces leucine 1023 with valine.
Molecular consequence: missense variant.
Genome position (GRCh38, 1-based): chr18:58,537,120, G>C on the plus strand (C>G on the coding strand, the complement: ALPK2 is on the minus strand). VCF-style: chr18-58537120-G-C. GRCh37 (hg19) VCF-style: chr18-56204352-G-C.
Other names: short protein forms L1023V.
Identifiers: ClinVar variation 3228669 (VCV003228669.1), dbSNP rs1350351881, ClinGen allele CA402569175.
Genomic context (GRCh38, chr18:58,537,120, plus strand): 5'-CACGAGGGAACCTCTCCTCAGTGCCACCTGCATGCTTGTCCTCAGGAATTGACACAGCAA[G>C]GTATTTGGCTGGGTGGACTTCGGTGGCAATGGTAACAGTTGATGTGTCCTCAGTCTCCCT-3'
Protein context (NP_443179.3, residues 1013-1033): IATEVHPAKY[Leu1023Val]AVSIPEDKHA